The following is an entry in ClinVar:

ClinVar aggregate classification (germline): Uncertain significance. Review status: criteria provided, multiple submitters, no conflicts (2 of 4 stars). 3 submissions from 3 submitters: Uncertain significance (3). Last evaluated 2026-10-01.

Conditions:
Dyskeratosis congenita. Identifiers: Orphanet 1775, MedGen C0265965, MONDO:0015780.
Idiopathic Pulmonary Fibrosis. Also called: Idiopathic fibrosing alveolitis, chronic form; idiopathic fibrosing alveolitis. Identifiers: Orphanet 2032, MedGen C1800706, MeSH D054990, MONDO:0800504.
Dyskeratosis congenita, autosomal dominant 2. Identifiers: MedGen C3151443, MONDO:0013521, OMIM 613989.

gnomAD v4.1: 1 of 1,586,736 alleles (0.000063%); highest among the groups gnomAD compares: South Asian, 0.0011%; no homozygotes.

Submissions (3):

St. Jude Molecular Pathology, St. Jude Children's Research Hospital
Classification: Uncertain significance for Dyskeratosis congenita, autosomal dominant 2. Last evaluated: 2026-10-01. Review status: criteria provided, single submitter. Criteria: St. Jude Assertion Criteria 2020. Collection method: clinical testing. Allele origin: germline.
Comment: The TERT c.875C>T p.(Thr292Met) missense change is absent in gnomAD v2.1.1. The in silico tool REVEL is inconclusive about a pathogenic or benign effect of this variant on protein function, and to our knowledge functional studies have not been performed. To our knowledge, this variant has not been reported in individuals with dyskeratosis congenita. In summary, the evidence currently available is insufficient to determine the clinical significance of this variant. It has therefore been classified as of uncertain significance.

Ambry Genetics
Classification: Uncertain significance for Dyskeratosis congenita. Last evaluated: 2025-06-03. Review status: criteria provided, single submitter. Criteria: Ambry Variant Classification Scheme 2023. Collection method: clinical testing. Allele origin: germline.
Comment: The p.T292M variant (also known as c.875C>T), located in coding exon 2 of the TERT gene, results from a C to T substitution at nucleotide position 875. The threonine at codon 292 is replaced by methionine, an amino acid with similar properties. This amino acid position is conserved. In addition, this alteration is predicted to be tolerated by in silico analysis. Based on the available evidence, the clinical significance of this variant remains unclear.

Labcorp Genetics (formerly Invitae), Labcorp
Classification: Uncertain significance for Dyskeratosis congenita, autosomal dominant 2; Idiopathic Pulmonary Fibrosis. Last evaluated: 2023-08-05. Review status: criteria provided, single submitter. Criteria: Invitae Variant Classification Sherloc (09022015). Collection method: clinical testing. Allele origin: germline.
Comment: In summary, the available evidence is currently insufficient to determine the role of this variant in disease. Therefore, it has been classified as a Variant of Uncertain Significance. Advanced modeling of protein sequence and biophysical properties (such as structural, functional, and spatial information, amino acid conservation, physicochemical variation, residue mobility, and thermodynamic stability) has been performed at Invitae for this missense variant, however the output from this modeling did not meet the statistical confidence thresholds required to predict the impact of this variant on TERT protein function. ClinVar contains an entry for this variant (Variation ID: 1379490). This variant has not been reported in the literature in individuals affected with TERT-related conditions. This variant is not present in population databases (gnomAD no frequency). This sequence change replaces threonine, which is neutral and polar, with methionine, which is neutral and non-polar, at codon 292 of the TERT protein (p.Thr292Met).

NM_198253.3(TERT):c.875C>T (p.Thr292Met)

Gene: TERT (telomerase reverse transcriptase; minus strand). Cytogenetic location: 5p15.33.
Variant type: single nucleotide variant.
Coding change: c.875C>T on transcript NM_198253.3 (MANE Select); coding-DNA position 875, C replaced by T.
Protein change: p.Thr292Met; replaces threonine 292 with methionine.
Molecular consequence: missense variant. On other transcripts: non-coding transcript variant (2).
Genome position (GRCh38, 1-based): chr5:1,294,011, G>A on the plus strand (C>T on the coding strand, the complement: TERT is on the minus strand). VCF-style: chr5-1294011-G-A. GRCh37 (hg19) VCF-style: chr5-1294126-G-A.
Other names: c.875C>T (NM_198253.2); c.875C>T, p.Thr292Met (NM_001193376.3); short protein forms T292M.
Identifiers: ClinVar variation 1379490 (VCV001379490.10), dbSNP rs1751193051, ClinGen allele CA359056364.